The following is an entry in ClinVar:

ClinVar aggregate classification (germline): Likely pathogenic (1 of 4 stars; one submission).

Conditions:
CHD8-related disorder. Also called: CHD8-related disorders; CHD8-related condition.

Submission:

PreventionGenetics, part of Exact Sciences
Classification: Likely pathogenic for CHD8-related condition. Last evaluated: 2024-10-31. Review status: criteria provided, single submitter. Criteria: ACMG Guidelines, 2015. Collection method: clinical testing. Allele origin: germline.
Comment: The CHD8 c.38delA variant is predicted to result in a frameshift and premature protein termination (p.Asn13Ilefs*8). To our knowledge, this variant has not been reported in the literature or in a large population database (gnomAD), indicating this variant is rare. Loss of function variants in CHD8 are known to be pathogenic. This variant is interpreted as likely pathogenic.

NM_001170629.2(CHD8):c.38del (p.Asn13fs)

Gene: CHD8 (chromodomain helicase DNA binding protein 8; minus strand). Cytogenetic location: 14q11.2.
Variant type: Deletion.
Coding change: c.38del on transcript NM_001170629.2 (MANE Select); coding-DNA position 38, one base deleted (A; older notation c.38delA).
Protein change: p.Asn13fs; shifts the reading frame from asparagine 13.
Molecular consequence: frameshift variant. On other transcripts: intron variant (1).
Genome position (GRCh38, 1-based): chr14:21,431,606, T deleted on the plus strand (A on the coding strand, the reverse complement: CHD8 is on the minus strand); the first of 3 consecutive T bases (chr14:21,431,606-21,431,608); deleting any one gives the same sequence. VCF-style (leftmost placement, unchanged base first): chr14-21431605-AT-A. GRCh37 (hg19) VCF-style: chr14-21899764-AT-A.
Other names: c.6+205del (NM_020920.4); short protein forms N13fs.
Identifiers: ClinVar variation 3345801 (VCV003345801.2).